The following is an entry in ClinVar:

NM_001205254.2(OCLN):c.452C>T (p.Ala151Val)

Gene: OCLN (occludin; plus strand). Cytogenetic location: 5q13.2.
Variant type: single nucleotide variant.
Coding change: c.452C>T on transcript NM_001205254.2 (MANE Select); coding-DNA position 452, C replaced by T.
Protein change: p.Ala151Val; replaces alanine 151 with valine.
Molecular consequence: missense variant. On other transcripts: intron variant (1).
Genome position (GRCh38, 1-based): chr5:69,509,542, C>T. VCF-style: chr5-69509542-C-T. GRCh37 (hg19) VCF-style: chr5-68805369-C-T.
Other names: c.452C>T, p.Ala151Val (NM_001410743.1, NM_001438048.1, NM_001438604.1 and 1 more transcripts); c.-24-4406C>T (NM_001205255.2); short protein forms A151V.
Identifiers: ClinVar variation 159460 (VCV000159460.17), dbSNP rs28562785, ClinGen allele CA213248.
Genomic context (GRCh38, chr5:69,509,542, plus strand): 5'-ATACAGACCCAAGAGCAGCAAAGGGCTTCATGTTGGCCATGGCTGCCTTTTGTTTCATTG[C>T]CGCGTTGGTGATCTTTGTTACCAGTGTTATAAGATCTGAAATGTCCAGAACAAGAAGATA-3'
Protein context (NP_001192183.1, residues 141-161): MLAMAAFCFI[Ala151Val]ALVIFVTSVI

ClinVar aggregate classification (germline): Conflicting classifications of pathogenicity. Review status: criteria provided, conflicting classifications (1 of 4 stars). 5 submissions from 5 submitters: Uncertain significance (1); Benign (2); Likely benign (1). 1 of the submissions does not count toward it. Last evaluated 2026-01-12.

Conditions:
OCLN-related disorder. Also called: OCLN-related condition.
Pseudo-TORCH syndrome 1 (PTORCH1). Also called: Band-like calcification with simplified gyration and polymicrogyria. Identifiers: Orphanet 1229, MedGen C4552078, MONDO:0020789, OMIM 251290.

Allele frequency attached by ClinVar (database versions not stated): gnomAD exomes 0.00054; ExAC 0.00072; gnomAD 0.00243 and 0.00264; ESP Exome Variant Server 0.00254; TOPMed 0.00286; 1000 Genomes Project 0.00300; 1000 Genomes Project 30x 0.00390.
gnomAD v4.1: 735 of 1,614,136 alleles (0.046%); highest among the groups gnomAD compares: African/African-American, 0.88%; 2 homozygotes.

Submissions (5):

Labcorp Genetics (formerly Invitae), Labcorp
Classification: Benign. Last evaluated: 2026-01-12. Review status: criteria provided, single submitter. Criteria: Invitae Variant Classification Sherloc (09022015). Collection method: clinical testing. Allele origin: germline.

Blueprint Genetics
Classification: Likely benign. Last evaluated: 2024-07-30. Review status: criteria provided, single submitter. Criteria: ACMG Guidelines, 2015. Collection method: clinical testing. Allele origin: germline.

GeneDx
Classification: Benign. Last evaluated: 2016-09-12. Review status: criteria provided, single submitter. Criteria: GeneDx Variant Classification (06012015). Collection method: clinical testing. Allele origin: germline. Affected: yes.
Comment: This variant is considered likely benign or benign based on one or more of the following criteria: it is a conservative change, it occurs at a poorly conserved position in the protein, it is predicted to be benign by multiple in silico algorithms, and/or has population frequency not consistent with disease.

Genetic Services Laboratory, University of Chicago
Classification: Uncertain significance for Band-like calcification with simplified gyration and polymicrogyria. Last evaluated: 2013-02-08. Review status: criteria provided, single submitter. Criteria: ACMG Guidelines, 2007. Collection method: clinical testing. Allele origin: germline. Inheritance: Autosomal recessive inheritance.

PreventionGenetics, part of Exact Sciences
Classification: Benign for OCLN-related condition. Last evaluated: 2019-11-13. Review status: no assertion criteria provided. Collection method: clinical testing. Allele origin: germline. Not counted in ClinVar's aggregate classification.
Comment: This variant is classified as benign based on ACMG/AMP sequence variant interpretation guidelines (Richards et al. 2015 PMID: 25741868, with internal and published modifications).